The following is an entry in ClinVar:

ClinVar aggregate classification (germline): Uncertain significance (1 of 4 stars; one submission).

Conditions:
Isolated microphthalmia 6. Also called: MICROPHTHALMIA, POSTERIOR NONSYNDROMIC. Identifiers: Orphanet 2542, MedGen C3150757, MONDO:0013293, OMIM 613517.

Submission:

Labcorp Genetics (formerly Invitae), Labcorp
Classification: Uncertain significance for Isolated microphthalmia 6. Last evaluated: 2021-08-26. Review status: criteria provided, single submitter. Criteria: Invitae Variant Classification Sherloc (09022015). Collection method: clinical testing. Allele origin: germline.
Comment: This sequence change replaces glycine with glutamic acid at codon 488 of the PRSS56 protein (p.Gly488Glu). The glycine residue is weakly conserved and there is a moderate physicochemical difference between glycine and glutamic acid. The frequency data for this variant in the population databases is considered unreliable, as metrics indicate insufficient coverage at this position in the ExAC database. This variant has not been reported in the literature in individuals affected with PRSS56-related conditions. Algorithms developed to predict the effect of missense changes on protein structure and function (SIFT, PolyPhen-2, Align-GVGD) all suggest that this variant is likely to be tolerated. In summary, the available evidence is currently insufficient to determine the role of this variant in disease. Therefore, it has been classified as a Variant of Uncertain Significance.

NM_001195129.2(PRSS56):c.1463G>A (p.Gly488Glu)

Gene: PRSS56 (serine protease 56; plus strand). Cytogenetic location: 2q37.1.
Variant type: single nucleotide variant.
Coding change: c.1463G>A on transcript NM_001195129.2 (MANE Select); coding-DNA position 1463, G replaced by A.
Protein change: p.Gly488Glu; replaces glycine 488 with glutamic acid.
Molecular consequence: missense variant.
Genome position (GRCh38, 1-based): chr2:232,524,786, G>A. VCF-style: chr2-232524786-G-A. GRCh37 (hg19) VCF-style: chr2-233389496-G-A.
Other names: c.1466G>A, p.Gly489Glu (NM_001369848.1); short protein forms G488E, G489E.
Identifiers: ClinVar variation 1055451 (VCV001055451.6), dbSNP rs552334838, ClinGen allele CA350994513.